The following is an entry in ClinVar:

NM_001211.6(BUB1B):c.1042G>C (p.Ala348Pro)

Gene: BUB1B (BUB1 mitotic checkpoint serine/threonine kinase B; plus strand). Cytogenetic location: 15q15.1.
Variant type: single nucleotide variant.
Coding change: c.1042G>C on transcript NM_001211.6 (MANE Select); coding-DNA position 1042, G replaced by C.
Protein change: p.Ala348Pro; replaces alanine 348 with proline.
Molecular consequence: missense variant.
Genome position (GRCh38, 1-based): chr15:40,185,626, G>C. VCF-style: chr15-40185626-G-C. GRCh37 (hg19) VCF-style: chr15-40477827-G-C.
Other names: short protein forms A348P.
Identifiers: ClinVar variation 533903 (VCV000533903.11), dbSNP rs777810016, ClinGen allele CA391685298.

ClinVar aggregate classification (germline): Uncertain significance. Review status: criteria provided, multiple submitters, no conflicts (2 of 4 stars). 2 submissions from 2 submitters: Uncertain significance (2). Last evaluated 2023-07-29.

Conditions:
Inborn genetic diseases. Identifiers: MedGen C0950123, MeSH D030342.
Mosaic variegated aneuploidy syndrome 1 (MVA1). Also called: Warburton-Anyane-Yeboa syndrome. Identifiers: Orphanet 1052, MedGen C1850343, MONDO:0009759, OMIM 257300.

Submissions (2):

Ambry Genetics
Classification: Uncertain significance for Inborn genetic diseases. Last evaluated: 2023-07-29. Review status: criteria provided, single submitter. Criteria: Ambry Variant Classification Scheme 2023. Collection method: clinical testing. Allele origin: germline.
Comment: The p.A348P variant (also known as c.1042G>C), located in coding exon 8 of the BUB1B gene, results from a G to C substitution at nucleotide position 1042. The alanine at codon 348 is replaced by proline, an amino acid with highly similar properties. This amino acid position is conserved. In addition, this alteration is predicted to be tolerated by in silico analysis. Since supporting evidence is limited at this time, the clinical significance of this alteration remains unclear.

Labcorp Genetics (formerly Invitae), Labcorp
Classification: Uncertain significance for Mosaic variegated aneuploidy syndrome 1. Last evaluated: 2020-01-09. Review status: criteria provided, single submitter. Criteria: Invitae Variant Classification Sherloc (09022015). Collection method: clinical testing. Allele origin: germline.
Comment: In summary, the available evidence is currently insufficient to determine the role of this variant in disease. Therefore, it has been classified as a Variant of Uncertain Significance. Algorithms developed to predict the effect of missense changes on protein structure and function (SIFT, PolyPhen-2, Align-GVGD) all suggest that this variant is likely to be tolerated, but these predictions have not been confirmed by published functional studies and their clinical significance is uncertain. This variant has not been reported in the literature in individuals with BUB1B-related disease. This variant is not present in population databases (ExAC no frequency). This sequence change replaces alanine with proline at codon 348 of the BUB1B protein (p.Ala348Pro). The alanine residue is moderately conserved and there is a small physicochemical difference between alanine and proline.